The following is an entry in ClinVar:

NM_000038.6(APC):c.6710G>T (p.Arg2237Leu)

Gene: APC (APC regulator of Wnt signaling pathway; plus strand). Cytogenetic location: 5q22.2.
Variant type: single nucleotide variant.
Coding change: c.6710G>T on transcript NM_000038.6 (MANE Select); coding-DNA position 6710, G replaced by T.
Protein change: p.Arg2237Leu; replaces arginine 2237 with leucine.
Molecular consequence: missense variant. On other transcripts: non-coding transcript variant (2).
Genome position (GRCh38, 1-based): chr5:112,842,304, G>T. VCF-style: chr5-112842304-G-T. GRCh37 (hg19) VCF-style: chr5-112178001-G-T.
Other names: c.6710G>T, p.Arg2237Leu (NM_001127510.3, NM_001354895.2, NM_001407450.1); c.6656G>T, p.Arg2219Leu (NM_001127511.3); c.6764G>T, p.Arg2255Leu (NM_001354896.2, NM_001407447.1, NM_001407448.1 and 1 more transcripts); c.6740G>T, p.Arg2247Leu (NM_001354897.2); c.6635G>T, p.Arg2212Leu (NM_001354898.2); c.6626G>T, p.Arg2209Leu (NM_001354899.2); c.6587G>T, p.Arg2196Leu (NM_001354900.2); c.6533G>T, p.Arg2178Leu (NM_001354901.2, NM_001407453.1); and 11 more; short protein forms R1853L, R1954L, R2077L, R2108L, R2111L, R2136L, R2146L, R2154L.
Identifiers: ClinVar variation 3230981 (VCV003230981.1), dbSNP rs1299714632, ClinGen allele CA16035997.
Genomic context (GRCh38, chr5:112,842,304, plus strand): 5'-TTCAAGCAAACATGCCTTCAATCTCTCGAGGCAGGACAATGATTCATATTCCAGGAGTTC[G>T]AAATAGCTCCTCAAGTACAAGTCCTGTTTCTAAAAAAGGCCCACCCCTTAAGACTCCAGC-3'
Protein context (NP_000029.2, residues 2227-2247): GRTMIHIPGV[Arg2237Leu]NSSSSTSPVS

ClinVar aggregate classification (germline): Uncertain significance (1 of 4 stars; one submission).

Conditions:
Hereditary cancer-predisposing syndrome. Also called: Neoplastic Syndromes, Hereditary; Tumor predisposition; Hereditary neoplastic syndrome; Hereditary Cancer Syndrome. Identifiers: Orphanet 140162, MedGen C0027672, MeSH D009386, MONDO:0015356.

Submission:

Ambry Genetics
Classification: Uncertain significance for Hereditary cancer-predisposing syndrome. Last evaluated: 2023-09-20. Review status: criteria provided, single submitter. Criteria: Ambry Variant Classification Scheme 2023. Collection method: clinical testing. Allele origin: germline.
Comment: The p.R2237L variant (also known as c.6710G>T), located in coding exon 15 of the APC gene, results from a G to T substitution at nucleotide position 6710. The arginine at codon 2237 is replaced by leucine, an amino acid with dissimilar properties. This amino acid position is conserved. In addition, in silico predictors for this gene do not accurately predict pathogenicity. Since supporting evidence is limited at this time, the clinical significance of this alteration remains unclear.